The following is an entry in ClinVar:

NM_004304.5(ALK):c.2239G>A (p.Gly747Arg)

Gene: ALK (ALK receptor tyrosine kinase; minus strand). Cytogenetic location: 2p23.2.
Variant type: single nucleotide variant.
Coding change: c.2239G>A on transcript NM_004304.5 (MANE Select); coding-DNA position 2239, G replaced by A.
Protein change: p.Gly747Arg; replaces glycine 747 with arginine.
Molecular consequence: missense variant.
Genome position (GRCh38, 1-based): chr2:29,239,796, C>T on the plus strand (G>A on the coding strand, the complement: ALK is on the minus strand). VCF-style: chr2-29239796-C-T. GRCh37 (hg19) VCF-style: chr2-29462662-C-T.
Other names: short protein forms G747R.
Identifiers: ClinVar variation 239803 (VCV000239803.14), dbSNP rs762395127, ClinGen allele CA1594381.

ClinVar aggregate classification (germline): Conflicting classifications of pathogenicity. Review status: criteria provided, conflicting classifications (1 of 4 stars). 5 submissions from 5 submitters: Uncertain significance (4); Likely benign (1). Last evaluated 2026-01-05.

Conditions:
Hereditary cancer-predisposing syndrome. Also called: Neoplastic Syndromes, Hereditary; Tumor predisposition; Hereditary neoplastic syndrome; Hereditary Cancer Syndrome. Identifiers: Orphanet 140162, MedGen C0027672, MeSH D009386, MONDO:0015356.
Neuroblastoma, susceptibility to, 3. Also called: ALK-Related Neuroblastic Tumor Susceptibility. Identifiers: Orphanet 635, MedGen C2751681, MONDO:0013083, OMIM 613014.

Allele frequency attached by ClinVar (database versions not stated): gnomAD 0.00002 and 0.00003; gnomAD exomes 0.00002 and 0.00006; ExAC 0.00004; TOPMed 0.00005.
gnomAD v4.1: 41 of 1,613,744 alleles (0.0025%); highest among the groups gnomAD compares: South Asian, 0.025%; no homozygotes.

Submissions (5):

Labcorp Genetics (formerly Invitae), Labcorp
Classification: Uncertain significance for Neuroblastoma, susceptibility to, 3. Last evaluated: 2026-01-05. Review status: criteria provided, single submitter. Criteria: Invitae Variant Classification Sherloc (09022015). Collection method: clinical testing. Allele origin: germline.
Comment: This sequence change replaces glycine, which is neutral and non-polar, with arginine, which is basic and polar, at codon 747 of the ALK protein (p.Gly747Arg). The frequency data for this variant in the population databases is considered unreliable, as metrics indicate poor data quality at this position in the gnomAD database. This variant has not been reported in the literature in individuals affected with ALK-related conditions. ClinVar contains an entry for this variant (Variation ID: 239803). An algorithm developed to predict the effect of missense changes on protein structure and function (PolyPhen-2) suggests that this variant is likely to be disruptive. In summary, the available evidence is currently insufficient to determine the role of this variant in disease. Therefore, it has been classified as a Variant of Uncertain Significance.

Fulgent Genetics
Classification: Uncertain significance for Neuroblastoma, susceptibility to, 3. Last evaluated: 2024-06-04. Review status: criteria provided, single submitter. Criteria: ACMG Guidelines, 2015. Collection method: clinical testing. Allele origin: germline.

GeneDx
Classification: Uncertain significance. Last evaluated: 2023-12-10. Review status: criteria provided, single submitter. Criteria: GeneDx Variant Classification Process June 2021. Collection method: clinical testing. Allele origin: germline. Affected: yes.
Comment: In silico analysis supports that this missense variant does not alter protein structure/function; Has not been previously published as pathogenic or benign to our knowledge; This variant is associated with the following publications: (PMID: 34646012)

Baylor Genetics
Classification: Uncertain significance for Neuroblastoma, susceptibility to, 3. Last evaluated: 2023-09-26. Review status: criteria provided, single submitter. Criteria: ACMG Guidelines, 2015. Collection method: clinical testing. Allele origin: unknown.

Ambry Genetics
Classification: Likely benign for Hereditary cancer-predisposing syndrome. Last evaluated: 2022-04-29. Review status: criteria provided, single submitter. Criteria: Ambry Variant Classification Scheme 2023. Collection method: clinical testing. Allele origin: germline.